The following is an entry in ClinVar:

NM_173354.5(SIK1):c.25G>A (p.Ala9Thr)

Gene: SIK1 (salt inducible kinase 1; minus strand). Cytogenetic location: 21q22.3.
Variant type: single nucleotide variant.
Coding change: c.25G>A on transcript NM_173354.5 (MANE Select); coding-DNA position 25, G replaced by A.
Protein change: p.Ala9Thr; replaces alanine 9 with threonine.
Molecular consequence: missense variant.
Genome position (GRCh38, 1-based): chr21:43,426,154, C>T on the plus strand (G>A on the coding strand, the complement: SIK1 is on the minus strand). VCF-style: chr21-43426154-C-T. GRCh37 (hg19) VCF-style: chr21-44846034-C-T.
Other names: short protein forms A9T.
Identifiers: ClinVar variation 3063898 (VCV003063898.1), dbSNP rs745845800, ClinGen allele CA321330065.

ClinVar aggregate classification (germline): Uncertain significance (1 of 4 stars; one submission).

Allele frequency attached by ClinVar (database versions not stated): ExAC 0.00002.

Submission:

Women's Health and Genetics/Laboratory Corporation of America, LabCorp
Classification: Uncertain significance. Last evaluated: 2024-01-12. Review status: criteria provided, single submitter. Criteria: LabCorp Variant Classification Summary - May 2015. Collection method: clinical testing. Allele origin: germline.
Comment: Variant summary: SIK1 c.25G>A (p.Ala9Thr) results in a non-conservative amino acid change in the encoded protein sequence. Three of five in-silico tools predict a benign effect of the variant on protein function. The variant allele was found at a frequency of 9.1e-06 in 219374 control chromosomes. The available data on variant occurrences in the general population are insufficient to allow any conclusion about variant significance. To our knowledge, no occurrence of c.25G>A in individuals affected with Developmental And Epileptic Encephalopathy, 30 and no experimental evidence demonstrating its impact on protein function have been reported. No submitters have cited clinical-significance assessments for this variant to ClinVar. Based on the evidence outlined above, the variant was classified as uncertain significance.